The following is an entry in ClinVar:

ClinVar aggregate classification (germline): Conflicting classifications of pathogenicity. Review status: criteria provided, conflicting classifications (1 of 4 stars). 3 submissions from 2 submitters: Uncertain significance (1); Benign (1); Likely benign (1). Last evaluated 2021-05-18.

Conditions:
Autosomal dominant nonsyndromic hearing loss 22. Also called: Autosomal dominant nonsyndromic deafness 22; DFNA 22. Identifiers: Orphanet 228012, MedGen C2931767, MONDO:0011660, OMIM 606346.
Autosomal recessive nonsyndromic hearing loss 37. Identifiers: Orphanet 90636, MedGen C1843028, MONDO:0011912, OMIM 607821.

Allele frequency attached by ClinVar (database versions not stated): gnomAD 0.00753 and 0.00798; TOPMed 0.00798; 1000 Genomes Project 0.00799; 1000 Genomes Project 30x 0.00890.

Submissions (3):

GeneDx
Classification: Likely benign. Last evaluated: 2021-05-18. Review status: criteria provided, single submitter. Criteria: GeneDx Variant Classification Process June 2021. Collection method: clinical testing. Allele origin: germline. Affected: yes.

Illumina Laboratory Services, Illumina
Classification: Uncertain significance for Autosomal recessive nonsyndromic hearing loss 37. Last evaluated: 2018-01-12. Review status: criteria provided, single submitter. Criteria: ICSL Variant Classification Criteria 13 December 2019. Collection method: clinical testing. Allele origin: germline.

Illumina Laboratory Services, Illumina
Classification: Benign for Autosomal dominant nonsyndromic hearing loss 22. Last evaluated: 2018-01-12. Review status: criteria provided, single submitter. Criteria: ICSL Variant Classification Criteria 13 December 2019. Collection method: clinical testing. Allele origin: germline.
Comment: This variant was observed in the ICSL laboratory as part of a predisposition screen in an ostensibly healthy population. It had not been previously curated by ICSL or reported in the Human Gene Mutation Database (HGMD: prior to June 1st, 2018), and was therefore a candidate for classification through an automated scoring system. Utilizing variant allele frequency, disease prevalence and penetrance estimates, and inheritance mode, an automated score was calculated to assess if this variant is too frequent to cause the disease. Based on the score and internal cut-off values, a variant classified as benign is not then subjected to further curation. The score for this variant resulted in a classification of benign for this disease.

NM_004999.4(MYO6):c.*4464C>T

Gene: MYO6 (myosin VI; plus strand). Cytogenetic location: 6q14.1.
Variant type: single nucleotide variant.
Coding change: c.*4464C>T on transcript NM_004999.4 (MANE Select); 4464 bases downstream of the stop codon, C replaced by T.
Molecular consequence: 3 prime UTR variant. On other transcripts: non-coding transcript variant (1).
Genome position (GRCh38, 1-based): chr6:75,919,476, C>T. VCF-style: chr6-75919476-C-T. GRCh37 (hg19) VCF-style: chr6-76629193-C-T.
Other names: c.*4464C>T (NM_001300899.2, NM_001368136.1, NM_001368137.1 and 3 more transcripts).
Identifiers: ClinVar variation 358062 (VCV000358062.6), dbSNP rs79815348, ClinGen allele CA10627652.